The following is an entry in ClinVar:

NM_000264.5(PTCH1):c.2545del (p.Arg849fs)

Genes: PTCH1 (patched 1; minus strand), LOC100507346 (uncharacterized LOC100507346; plus strand). Cytogenetic location: 9q22.32.
Variant type: Deletion.
Coding change: c.2545del on transcript NM_000264.5 (MANE Select); coding-DNA position 2545, one base deleted (A; older notation c.2545delA).
Protein change: p.Arg849fs; shifts the reading frame from arginine 849.
Molecular consequence: frameshift variant. On other transcripts: non-coding transcript variant (2).
Genome position (GRCh38, 1-based): chr9:95,467,131, T deleted on the plus strand (A on the coding strand, the reverse complement: PTCH1 is on the minus strand). VCF-style (leftmost placement, unchanged base first): chr9-95467130-CT-C. GRCh37 (hg19) VCF-style: chr9-98229412-CT-C.
Other names: c.2347del, p.Arg783fs (NM_001083602.3); c.2542del, p.Arg848fs (NM_001083603.3); c.2092del, p.Arg698fs (NM_001083604.3, NM_001083605.3, NM_001083606.3 and 1 more transcripts); c.2389del, p.Arg797fs (NM_001354918.2); short protein forms R848fs, R698fs, R783fs, R849fs, R797fs.
Identifiers: ClinVar variation 1394631 (VCV001394631.6), dbSNP rs2117946757, ClinGen allele CA2573144854.

ClinVar aggregate classification (germline): Pathogenic (1 of 4 stars; one submission).

Conditions:
Gorlin syndrome. Also called: Nevoid Basal Cell Carcinoma Syndrome; Basal cell nevus syndrome. Identifiers: Orphanet 377, MedGen C0004779, MONDO:0007187.

Submission:

Labcorp Genetics (formerly Invitae), Labcorp
Classification: Pathogenic for Gorlin syndrome. Last evaluated: 2021-06-04. Review status: criteria provided, single submitter. Criteria: Invitae Variant Classification Sherloc (09022015). Collection method: clinical testing. Allele origin: germline.
Comment: For these reasons, this variant has been classified as Pathogenic. This variant has not been reported in the literature in individuals with PTCH1-related conditions. This variant is not present in population databases (ExAC no frequency). This sequence change creates a premature translational stop signal (p.Arg849Glufs*54) in the PTCH1 gene. It is expected to result in an absent or disrupted protein product. Loss-of-function variants in PTCH1 are known to be pathogenic (PMID: 16301862, 16419085).

Literature cited by the submitters: PubMed 16301862; PubMed 16419085.